The following is an entry in ClinVar:

ClinVar aggregate classification (germline): Uncertain significance. Review status: criteria provided, multiple submitters, no conflicts (2 of 4 stars). 2 submissions from 2 submitters: Uncertain significance (2). Last evaluated 2025-07-18.

Conditions:
Inborn genetic diseases. Identifiers: MedGen C0950123, MeSH D030342.

Allele frequency attached by ClinVar (database versions not stated): TOPMed 0.00001.
gnomAD v4.1: 2 of 1,536,838 alleles (0.00013%); highest among the groups gnomAD compares: African/African-American, 0.0028%; no homozygotes.

Submissions (2):

Labcorp Genetics (formerly Invitae), Labcorp
Classification: Uncertain significance. Last evaluated: 2025-07-18. Review status: criteria provided, single submitter. Criteria: Invitae Variant Classification Sherloc (09022015). Collection method: clinical testing. Allele origin: germline.
Comment: This sequence change replaces alanine, which is neutral and non-polar, with valine, which is neutral and non-polar, at codon 481 of the CAMK2B protein (p.Ala481Val). This variant is not present in population databases (gnomAD no frequency). This variant has not been reported in the literature in individuals affected with CAMK2B-related conditions. ClinVar contains an entry for this variant (Variation ID: 2133788). An algorithm developed to predict the effect of missense changes on protein structure and function outputs the following: PolyPhen-2: "Benign". The valine amino acid residue is found in multiple mammalian species, which suggests that this missense change does not adversely affect protein function. In summary, the available evidence is currently insufficient to determine the role of this variant in disease. Therefore, it has been classified as a Variant of Uncertain Significance.

Ambry Genetics
Classification: Uncertain significance for Inborn genetic diseases. Last evaluated: 2025-04-09. Review status: criteria provided, single submitter. Criteria: Ambry Variant Classification Scheme 2023. Collection method: clinical testing. Allele origin: germline.

NM_001220.5(CAMK2B):c.1442C>T (p.Ala481Val)

Gene: CAMK2B (calcium/calmodulin dependent protein kinase II beta; minus strand). Cytogenetic location: 7p13.
Variant type: single nucleotide variant.
Coding change: c.1442C>T on transcript NM_001220.5 (MANE Select); coding-DNA position 1442, C replaced by T.
Protein change: p.Ala481Val; replaces alanine 481 with valine.
Molecular consequence: missense variant. On other transcripts: intron variant (8).
Genome position (GRCh38, 1-based): chr7:44,228,822, G>A on the plus strand (C>T on the coding strand, the complement: CAMK2B is on the minus strand). VCF-style: chr7-44228822-G-A. GRCh37 (hg19) VCF-style: chr7-44268421-G-A.
Other names: c.947-7921C>T (NM_172084.3); c.1150+2184C>T (NM_172080.3); c.1036+2184C>T (NM_172083.3); c.1108+2184C>T (NM_172081.3); c.1153+2184C>T (NM_172079.3, NM_172082.3); c.1225+2184C>T (NM_001293170.2, NM_172078.3); c.1442C>T (NM_001220.4); short protein forms A481V.
Identifiers: ClinVar variation 2133788 (VCV002133788.5), dbSNP rs2096547743, ClinGen allele CA367372967.